The following is an entry in ClinVar:

ClinVar aggregate classification (germline): Benign/Likely benign. Review status: criteria provided, multiple submitters, no conflicts (2 of 4 stars). 9 submissions from 9 submitters: Benign (1); Likely benign (8). Last evaluated 2025-10-01.

Conditions:
Classic or attenuated familial adenomatous polyposis. Identifiers: MedGen CN372698, MONDO:0021057.
Hereditary cancer-predisposing syndrome. Also called: Tumor predisposition; Hereditary neoplastic syndrome; Neoplastic Syndromes, Hereditary; Hereditary Cancer Syndrome. Identifiers: Orphanet 140162, MedGen C0027672, MeSH D009386, MONDO:0015356.
Familial adenomatous polyposis 1 (FAP1). Also called: FAMILIAL ADENOMATOUS POLYPOSIS 1, ATTENUATED; POLYPOSIS, ADENOMATOUS INTESTINAL. Identifiers: MedGen C2713442, MONDO:0021056, OMIM 175100. Disease mechanism: loss of function.

Allele frequency attached by ClinVar (database versions not stated): gnomAD exomes below 0.00001 and 0.00002; gnomAD 0.00001; TOPMed 0.00001.
gnomAD v4.1: 30 of 1,612,482 alleles (0.0019%); highest among the groups gnomAD compares: Non-Finnish European, 0.0025%; no homozygotes.

Submissions (9):

Labcorp Genetics (formerly Invitae), Labcorp
Classification: Likely benign for Familial adenomatous polyposis 1. Last evaluated: 2025-10-01. Review status: criteria provided, single submitter. Criteria: Invitae Variant Classification Sherloc (09022015). Collection method: clinical testing. Allele origin: germline.

Center for Genomic Medicine, Rigshospitalet, Copenhagen University Hospital
Classification: Likely benign. Last evaluated: 2025-03-04. Review status: criteria provided, single submitter. Criteria: ACMG Guidelines, 2015. Collection method: clinical testing. Allele origin: germline.

All of Us Research Program, National Institutes of Health
Classification: Likely benign for Classic or attenuated familial adenomatous polyposis. Last evaluated: 2024-05-31. Review status: criteria provided, single submitter. Criteria: ACMG Guidelines, 2015. Collection method: clinical testing. Allele origin: germline. Inheritance: Autosomal dominant inheritance. Observed: 1 variant allele, 1 heterozygote.
Comment: This study involves interpretation of variants in research participants for the purpose of population health screening. Participant phenotype was not available at the time of variant classification. Additional details can be found in publication PMID: 35346344, PMCID: PMC8962531

Myriad Genetics, Inc.
Classification: Benign for Familial adenomatous polyposis 1. Last evaluated: 2024-04-05. Review status: criteria provided, single submitter. Criteria: Myriad Autosomal Dominant, Autosomal Recessive and X-Linked Classification Criteria (2023). Collection method: clinical testing. Allele origin: unknown.
Comment: This variant is considered benign. This variant is a silent/synonymous amino acid change and it is not expected to impact splicing.

Department of Pathology and Laboratory Medicine, Sinai Health System
Classification: Likely benign for classic or attenuated familial adenomatous polyposis. Last evaluated: 2023-02-09. Review status: criteria provided, single submitter. Criteria: ACMG Guidelines, 2015. Collection method: clinical testing. Allele origin: germline. Affected: yes.

Color Diagnostics, LLC DBA Color Health
Classification: Likely benign for Hereditary cancer-predisposing syndrome. Last evaluated: 2022-03-17. Review status: criteria provided, single submitter. Criteria: ACMG Guidelines, 2015. Collection method: clinical testing. Allele origin: germline.

Quest Diagnostics Nichols Institute San Juan Capistrano
Classification: Likely benign. Last evaluated: 2021-04-26. Review status: criteria provided, single submitter. Criteria: Quest Diagnostics criteria. Collection method: clinical testing. Allele origin: unknown.

GeneDx
Classification: Likely benign. Last evaluated: 2016-06-03. Review status: criteria provided, single submitter. Criteria: GeneDx Variant Classification (06012015). Collection method: clinical testing. Allele origin: germline. Affected: yes.
Comment: This variant is considered likely benign or benign based on one or more of the following criteria: it is a conservative change, it occurs at a poorly conserved position in the protein, it is predicted to be benign by multiple in silico algorithms, and/or has population frequency not consistent with disease.

Ambry Genetics
Classification: Likely benign for Hereditary cancer-predisposing syndrome. Last evaluated: 2016-01-07. Review status: criteria provided, single submitter. Criteria: Ambry Variant Classification Scheme 2023. Collection method: clinical testing. Allele origin: germline.

NM_000038.6(APC):c.6579A>G (p.Lys2193=)

Gene: APC (APC regulator of Wnt signaling pathway; plus strand). Cytogenetic location: 5q22.2.
Variant type: single nucleotide variant.
Coding change: c.6579A>G on transcript NM_000038.6 (MANE Select); coding-DNA position 6579, A replaced by G.
Protein change: p.Lys2193=; no amino-acid change (lysine 2193 retained).
Molecular consequence: synonymous variant.
Genome position (GRCh38, 1-based): chr5:112,842,173, A>G. VCF-style: chr5-112842173-A-G. GRCh37 (hg19) VCF-style: chr5-112177870-A-G.
Other names: c.6579A>G, p.Lys2193= (NM_001127510.3, NM_001354895.2); c.6525A>G, p.Lys2175= (NM_001127511.3); c.6633A>G, p.Lys2211= (NM_001354896.2); c.6609A>G, p.Lys2203= (NM_001354897.2); c.6504A>G, p.Lys2168= (NM_001354898.2); c.6495A>G, p.Lys2165= (NM_001354899.2); c.6456A>G, p.Lys2152= (NM_001354900.2); c.6402A>G, p.Lys2134= (NM_001354901.2); and 5 more.
Identifiers: ClinVar variation 378949 (VCV000378949.29), dbSNP rs908184283, ClinGen allele CA16604803.
Genomic context (GRCh38, chr5:112,842,173, plus strand): 5'-AAGTACATTGGAAACTAAAAAGATAGAATCTGAAAGTAAAGGAATCAAAGGAGGAAAAAA[A>G]GTTTATAAAAGTTTGATTACTGGAAAAGTTCGATCTAATTCAGAAATTTCAGGCCAAATG-3'
Protein context (NP_000029.2, residues 2183-2203): SESKGIKGGK[Lys2193=]VYKSLITGKV